The following is an entry in ClinVar:

NM_000051.4(ATM):c.8565T>G (p.Ser2855Arg)

Genes: ATM (ATM serine/threonine kinase; plus strand), C11orf65 (chromosome 11 open reading frame 65; minus strand). Cytogenetic location: 11q22.3.
Variant type: single nucleotide variant.
Coding change: c.8565T>G on transcript NM_000051.4 (MANE Select); coding-DNA position 8565, T replaced by G.
Protein change: p.Ser2855Arg; replaces serine 2855 with arginine.
Molecular consequence: missense variant. On other transcripts: intron variant (2).
Genome position (GRCh38, 1-based): chr11:108,345,889, T>G. VCF-style: chr11-108345889-T-G. GRCh37 (hg19) VCF-style: chr11-108216616-T-G.
Other names: c.641-36818A>C (NM_001330368.2); c.695-10597A>C (NM_001351110.2); c.8565T>G, p.Ser2855Arg (NM_001351834.2); short protein forms S2855R.
Identifiers: ClinVar variation 231399 (VCV000231399.32), dbSNP rs780905851, ClinGen allele CA6266379.
Genomic context (GRCh38, chr11:108,345,889, plus strand): 5'-CATGGAAAAATTCTTGGATCCAGCTATTTGGTTTGAGAAGCGATTGGCTTATACGCGCAG[T>G]GTAGCTACTTCTTCTATTGGTAATCTTCTTGTACATATAGTAGATTGAGCACTTTGTTGT-3'
Protein context (NP_000042.3, residues 2845-2865): WFEKRLAYTR[Ser2855Arg]VATSSIVGYI

ClinVar aggregate classification (germline): Pathogenic/Likely pathogenic. Review status: criteria provided, multiple submitters, no conflicts (2 of 4 stars). 8 submissions from 8 submitters: Pathogenic (2); Likely pathogenic (6). Last evaluated 2025-12-31.

Conditions:
ATM-related disorder. Also called: ATM-related disorders; ATM-related condition.
Hereditary cancer-predisposing syndrome. Also called: Neoplastic Syndromes, Hereditary; Hereditary neoplastic syndrome; Tumor predisposition; Hereditary Cancer Syndrome. Identifiers: Orphanet 140162, MedGen C0027672, MeSH D009386, MONDO:0015356.
Familial cancer of breast. Also called: hereditary breast carcinoma; Hereditary breast cancer; BREAST CANCER, FAMILIAL. Identifiers: Orphanet 227535, MedGen C0346153, MONDO:0016419, OMIM 114480. Disease mechanism: loss of function.
Ataxia-telangiectasia syndrome (AT). Also called: Ataxia telangiectasia (A-T); Cerebello-oculocutaneous telangiectasia; Immunodeficiency with ataxia telangiectasia; LOUIS-BAR SYNDROME; AT, COMPLEMENTATION GROUP C; ATAXIA-TELANGIECTASIA, FRESNO VARIANT. Identifiers: Orphanet 100, MedGen C0004135, MONDO:0008840, OMIM 208900.

gnomAD v4.1: 3 of 1,613,776 alleles (0.00019%); highest among the groups gnomAD compares: South Asian, 0.0011%; no homozygotes.

Submissions (9):

Labcorp Genetics (formerly Invitae), Labcorp
Classification: Pathogenic for Ataxia-telangiectasia syndrome. Last evaluated: 2025-12-31. Review status: criteria provided, single submitter. Criteria: Invitae Variant Classification Sherloc (09022015). Collection method: clinical testing. Allele origin: germline.
Comment: This sequence change replaces serine, which is neutral and polar, with arginine, which is basic and polar, at codon 2855 of the ATM protein (p.Ser2855Arg). This variant is present in population databases (rs780905851, gnomAD 0.0009%). This missense change has been observed in individual(s) with ataxia telangiectasia, gastric cancer, and/or pancreatic cancer (PMID: 10425038, 11857346, 26506520, 32255556; internal data). In at least one individual the data is consistent with being in trans (on the opposite chromosome) from a pathogenic variant. ClinVar contains an entry for this variant (Variation ID: 231399). Invitae Evidence Modeling of protein sequence and biophysical properties (such as structural, functional, and spatial information, amino acid conservation, physicochemical variation, residue mobility, and thermodynamic stability) indicates that this missense variant is expected to disrupt ATM protein function with a positive predictive value of 95%. Algorithms developed to predict the effect of sequence changes on RNA splicing suggest that this variant may create or strengthen a splice site. For these reasons, this variant has been classified as Pathogenic.

Ambry Genetics
Classification: Likely pathogenic for Hereditary cancer-predisposing syndrome. Last evaluated: 2025-07-18. Review status: criteria provided, single submitter. Criteria: Ambry Variant Classification Scheme 2023. Collection method: clinical testing. Allele origin: germline.
Comment: The p.S2855R variant (also known as c.8565T>G), located in coding exon 57 of the ATM gene, results from a T to G substitution at nucleotide position 8565. The serine at codon 2855 is replaced by arginine, an amino acid with dissimilar properties. This variant has been identified in trans with a second ATM likely pathogenic alteration in two siblings with clinical characteristics of ataxia telangiectasia (Ambry internal data). In addition, this variant has been observed in individuals diagnosed with pancreatic cancer (Cremin C et al. Cancer Med, 2020 06;9:4004-4013; Emelyanova M et al. Ther Adv Med Oncol, 2022 Mar;14:17588359221083050). This amino acid position is highly conserved in available vertebrate species. In addition, this alteration is predicted to be deleterious by in silico analysis. Based on the majority of available evidence to date, this variant is likely to be pathogenic.

GeneDx
Classification: Pathogenic. Last evaluated: 2025-06-26. Review status: criteria provided, single submitter. Criteria: GeneDx Variant Classification Process June 2021. Collection method: clinical testing. Allele origin: germline. Affected: yes.
Comment: Identified in the heterozygous state in individuals with gastric or pancreatic cancer (PMID: 32255556, 26506520); Not observed at significant frequency in large population cohorts (gnomAD); In silico analysis supports that this missense variant has a deleterious effect on protein structure/function; In silico analysis supports a deleterious effect on splicing; This variant is associated with the following publications: (PMID: 32255556, 26506520, 29922827, 35309086, 23532176, 15279808, 38028594, 37540892, 40060932, 11857346)

Laboratory of Genetics, Children's Clinical University Hospital Latvia
Classification: Likely pathogenic. Last evaluated: 2025-02-16. Review status: criteria provided, single submitter. Criteria: ACMG Guidelines, 2015. Collection method: clinical testing. Allele origin: germline. Affected: yes.

Myriad Genetics, Inc.
Classification: Likely pathogenic for Familial cancer of breast. Last evaluated: 2024-02-02. Review status: criteria provided, single submitter. Criteria: Myriad Autosomal Dominant, Autosomal Recessive and X-Linked Classification Criteria (2023). Collection method: clinical testing. Allele origin: unknown.
Comment: This variant is considered likely pathogenic. This variant has been reported in multiple individuals with clinical features of gene-specific disease [PMID: 10425038, 34477998, 9872980, 10817650]. Functional studies indicate this variant impacts protein function [PMID: 10873394, 19431188]. This variant is expected to disrupt protein structure [Myriad internal data].

Baylor Genetics
Classification: Likely pathogenic for Familial cancer of breast. Last evaluated: 2024-01-02. Review status: criteria provided, single submitter. Criteria: ACMG Guidelines, 2015. Collection method: clinical testing. Allele origin: unknown.

Blueprint Genetics
Classification: Likely pathogenic for ATM-related disorders. Last evaluated: 2022-11-23. Review status: criteria provided, single submitter. Criteria: ACMG Guidelines, 2015. Collection method: clinical testing. Allele origin: germline. Affected: yes. Observed: 1 variant allele.

Color Diagnostics, LLC DBA Color Health
Classification: Likely pathogenic for Hereditary cancer-predisposing syndrome. Last evaluated: 2021-07-01. Review status: criteria provided, single submitter. Criteria: ACMG Guidelines, 2015. Collection method: clinical testing. Allele origin: germline.
Comment: This missense variant replaces serine with arginine at codon 2855 of the ATM protein. Computational prediction suggests that this variant may have deleterious impact on protein structure and function (internally defined REVEL score threshold >= 0.7, PMID: 27666373). To our knowledge, functional studies have not been reported for this variant. This variant has been reported in an individual affected with gastric cancer (PMID: 26506520). In addition, a different variant (c.8565T>A) resulting in the same amino acid substitution has been reported in individuals affected with ataxia-telangiectasia (PMID: 10425038, 11857346). This variant has been identified in 1/251104 chromosomes in the general population by the Genome Aggregation Database (gnomAD). Based on the available evidence, this variant is classified as Likely Pathogenic.

Dr. Peter K. Rogan Lab, Western University
No classification provided (evidence only). Condition: Gastric cancer. Review status: no classification provided. Collection method: in vitro. Allele origin: not applicable. Functional consequence: retained intron. Not counted in ClinVar's aggregate classification.

Literature cited by the submitters: PubMed 10425038 (cited by 3 submitters); PubMed 11857346 (cited by Labcorp Genetics (formerly Invitae), Labcorp and Ambry Genetics); PubMed 26506520 (cited by Labcorp Genetics (formerly Invitae), Labcorp); PubMed 32255556 (cited by Labcorp Genetics (formerly Invitae), Labcorp and Ambry Genetics); PubMed 10817650 (cited by Ambry Genetics and Myriad Genetics, Inc.); PubMed 35309086 (cited by Ambry Genetics); PubMed 34477998 (cited by Myriad Genetics, Inc.); PubMed 9872980 (cited by Myriad Genetics, Inc.); PubMed 10873394 (cited by Myriad Genetics, Inc.); PubMed 19431188 (cited by Myriad Genetics, Inc.).